The following is an entry in ClinVar:

ClinVar aggregate classification (germline): Likely pathogenic. Review status: criteria provided, multiple submitters, no conflicts (2 of 4 stars). 2 submissions from 2 submitters: Likely pathogenic (2). Last evaluated 2024-06-25.

Conditions:
Dilated cardiomyopathy 1G (CMD1G). Identifiers: Orphanet 154, MedGen C1858763, MONDO:0011400, OMIM 604145.
Autosomal recessive limb-girdle muscular dystrophy type 2J (LGMDR10). Also called: Limb-girdle muscular dystrophy, type 2J; MUSCULAR DYSTROPHY, LIMB-GIRDLE, AUTOSOMAL RECESSIVE 10. Identifiers: Orphanet 140922, MedGen C1837342, MONDO:0012127, OMIM 608807.

Submissions (2):

Labcorp Genetics (formerly Invitae), Labcorp
Classification: Likely pathogenic for Dilated cardiomyopathy 1G; Autosomal recessive limb-girdle muscular dystrophy type 2J. Last evaluated: 2024-06-25. Review status: criteria provided, single submitter. Criteria: Invitae Variant Classification Sherloc (09022015). Collection method: clinical testing. Allele origin: germline.
Comment: This sequence change creates a premature translational stop signal (p.Thr25935Argfs*9) in the TTN gene. While this is not anticipated to result in nonsense mediated decay, it is expected to create a truncated TTN protein. This variant is not present in population databases (gnomAD no frequency). This variant has not been reported in the literature in individuals affected with TTN-related conditions. ClinVar contains an entry for this variant (Variation ID: 1677583). This variant is located in the A band of TTN (PMID: 25589632). Truncating variants in this region are significantly overrepresented in patients affected with dilated cardiomyopathy (PMID: 25589632). Truncating variants in this region have also been reported in individuals affected with autosomal recessive centronuclear myopathy (PMID: 23975875). In summary, the currently available evidence indicates that the variant is pathogenic, but additional data are needed to prove that conclusively. Therefore, this variant has been classified as Likely Pathogenic.

AiLife Diagnostics
Classification: Likely pathogenic. Last evaluated: 2020-04-23. Review status: criteria provided, single submitter. Criteria: ACMG Guidelines, 2015. Collection method: clinical testing. Allele origin: germline. Affected: yes. Observed: 1 variant allele.

Literature cited by the submitters: PubMed 25589632 (cited by Labcorp Genetics (formerly Invitae), Labcorp); PubMed 23975875 (cited by Labcorp Genetics (formerly Invitae), Labcorp).

NM_001267550.2(TTN):c.77804_77814del (p.Thr25935fs)

Genes: TTN-AS1 (TTN antisense RNA 1; plus strand), TTN (titin; minus strand). Cytogenetic location: 2q31.2.
Variant type: Deletion.
Coding change: c.77804_77814del on transcript NM_001267550.2 (MANE Select); coding-DNA positions 77804 to 77814, 11 bases deleted (CCACAGTATGG).
Protein change: p.Thr25935fs; shifts the reading frame from threonine 25935.
Molecular consequence: frameshift variant.
Genome position (GRCh38, 1-based): chr2:178,568,318-178,568,328, CCATACTGTGG deleted on the plus strand (CCACAGTATGG on the coding strand, the reverse complement: TTN is on the minus strand). VCF-style (leftmost placement, unchanged base first): chr2-178568317-CCCATACTGTGG-C. GRCh37 (hg19) VCF-style: chr2-179433044-CCCATACTGTGG-C.
Other names: c.72881_72891del, p.Thr24294fs (NM_001256850.1); c.50609_50619del, p.Thr16870fs (NM_003319.4); c.70100_70110del, p.Thr23367fs (NM_133378.4); c.50984_50994del, p.Thr16995fs (NM_133432.3); c.51185_51195del, p.Thr17062fs (NM_133437.4); short protein forms T16870fs, T16995fs, T17062fs, T23367fs, T24294fs, T25935fs.
Identifiers: ClinVar variation 1677583 (VCV001677583.3), dbSNP rs2154166895, ClinGen allele CA2573133023.